The following is an entry in ClinVar:

NM_000383.4(AIRE):c.1249del (p.Leu417fs)

Gene: AIRE (autoimmune regulator; plus strand). Cytogenetic location: 21q22.3.
Variant type: Deletion.
Coding change: c.1249del on transcript NM_000383.4 (MANE Select); coding-DNA position 1249, one base deleted (C; older notation c.1249delC).
Protein change: p.Leu417fs; shifts the reading frame from leucine 417.
Molecular consequence: frameshift variant.
Genome position (GRCh38, 1-based): chr21:44,293,146, C deleted; the last of 5 consecutive C bases (chr21:44,293,142-44,293,146); deleting any one gives the same sequence. VCF-style (leftmost placement, unchanged base first): chr21-44293141-AC-A. GRCh37 (hg19) VCF-style: chr21-45713024-AC-A.
Other names: short protein forms L417fs.
Identifiers: ClinVar variation 4081692 (VCV004081692.1).

ClinVar aggregate classification (germline): Pathogenic (1 of 4 stars; one submission).

Conditions:
Polyglandular autoimmune syndrome, type 1 (APS1). Also called: AUTOIMMUNE POLYENDOCRINE SYNDROME, TYPE I, WITH OR WITHOUT REVERSIBLE METAPHYSEAL DYSPLASIA; Autoimmune polyendocrinopathy syndrome, type I; Autoimmune polyendocrine syndrome type 1; APS I; HYPOADRENOCORTICISM WITH HYPOPARATHYROIDISM AND SUPERFICIAL MONILIASIS; Autoimmune polyendocrinopathy syndrome , type I, with or without reversible metaphyseal dysplasia. Identifiers: Orphanet 3453, MedGen C0085859, MONDO:0009411, OMIM 240300.

Submission:

Myriad Genetics, Inc.
Classification: Pathogenic for Polyglandular autoimmune syndrome, type 1. Last evaluated: 2025-04-03. Review status: criteria provided, single submitter. Criteria: Myriad Autosomal Dominant, Autosomal Recessive and X-Linked Classification Criteria (2023). Collection method: clinical testing. Allele origin: unknown.
Comment: NM_000383.3(AIRE):c.1249delC(L417Yfs*63) is a frameshift variant classified as pathogenic in the context of autoimmune polyglandular syndrome type 1. L417Yfs*63 has been observed in a case with relevant disease (PMID: 9837820). Relevant functional assessments of this variant are not available in the literature. L417Yfs*63 has not been observed in referenced population frequency databases. In summary, NM_000383.3(AIRE):c.1249delC(L417Yfs*63) is a frameshift variant in a gene where loss of function is a known mechanism of disease, is predicted to disrupt protein function, and has been observed more frequently in cases with the relevant disease than in healthy populations. Please note: this variant was assessed in the context of healthy population screening.

Literature cited by the submitters: PubMed 9837820.